The following is an entry in ClinVar:

NM_005154.5(USP8):c.1151T>A (p.Val384Asp)

Gene: USP8 (ubiquitin specific peptidase 8; plus strand). Cytogenetic location: 15q21.2.
Variant type: single nucleotide variant.
Coding change: c.1151T>A on transcript NM_005154.5 (MANE Select); coding-DNA position 1151, T replaced by A.
Protein change: p.Val384Asp; replaces valine 384 with aspartic acid.
Molecular consequence: missense variant.
Genome position (GRCh38, 1-based): chr15:50,477,432, T>A. VCF-style: chr15-50477432-T-A. GRCh37 (hg19) VCF-style: chr15-50769629-T-A.
Other names: c.1151T>A, p.Val384Asp (NM_001128610.3); c.920T>A, p.Val307Asp (NM_001283049.2); short protein forms V307D, V384D.
Identifiers: ClinVar variation 2873608 (VCV002873608.3), dbSNP rs2541955105, ClinGen allele CA392390409.
Genomic context (GRCh38, chr15:50,477,432, plus strand): 5'-TGATAAGTGGTCAAAATGAGAGAATGGGACCACTGAATATATCAACTCCAGTTGAACCAG[T>A]TGCTGCTTCTAAATCTGATGTTTCACCCATAATTCAGCCAGTGCCTAGTATAAAGAATGT-3'
Protein context (NP_005145.3, residues 374-394): PLNISTPVEP[Val384Asp]AASKSDVSPI

ClinVar aggregate classification (germline): Uncertain significance (1 of 4 stars; one submission).

Conditions:
Hereditary spastic paraplegia. Also called: Familial spastic paraparesis. Identifiers: Orphanet 685, MedGen C0037773, MONDO:0019064. Disease mechanism: loss of function.

Allele frequency attached by ClinVar (database versions not stated): gnomAD exomes below 0.00001.

Submission:

Labcorp Genetics (formerly Invitae), Labcorp
Classification: Uncertain significance for Hereditary spastic paraplegia. Last evaluated: 2022-11-14. Review status: criteria provided, single submitter. Criteria: Invitae Variant Classification Sherloc (09022015). Collection method: clinical testing. Allele origin: germline.
Comment: This sequence change replaces valine, which is neutral and non-polar, with aspartic acid, which is acidic and polar, at codon 384 of the USP8 protein (p.Val384Asp). This variant is not present in population databases (gnomAD no frequency). This variant has not been reported in the literature in individuals affected with USP8-related conditions. Algorithms developed to predict the effect of missense changes on protein structure and function (SIFT, PolyPhen-2, Align-GVGD) all suggest that this variant is likely to be tolerated. In summary, the available evidence is currently insufficient to determine the role of this variant in disease. Therefore, it has been classified as a Variant of Uncertain Significance.